The following is an entry in ClinVar:

NM_001377.3(DYNC2H1):c.8113G>C (p.Ala2705Pro)

Gene: DYNC2H1 (dynein cytoplasmic 2 heavy chain 1; plus strand). Cytogenetic location: 11q22.3.
Variant type: single nucleotide variant.
Coding change: c.8113G>C on transcript NM_001377.3 (MANE Select); coding-DNA position 8113, G replaced by C.
Protein change: p.Ala2705Pro; replaces alanine 2705 with proline.
Molecular consequence: missense variant.
Genome position (GRCh38, 1-based): chr11:103,200,070, G>C. VCF-style: chr11-103200070-G-C. GRCh37 (hg19) VCF-style: chr11-103070799-G-C.
Other names: c.8113G>C (NM_001080463.1); c.8113G>C, p.Ala2705Pro (NM_001080463.2); short protein forms A2705P.
Identifiers: ClinVar variation 2127313 (VCV002127313.5), dbSNP rs1591397473, ClinGen allele CA382257106.
Genomic context (GRCh38, chr11:103,200,070, plus strand): 5'-TTAAAGGGCACTAAAAAATATTTTCTGATTTTGCAGGTGCTGCAACTTGCAGGAATTGAA[G>C]CACAACAGGTAGTTTTACTTCTTGAGGATTACCAGTTTGTACATCCTACATTTTTGGAGA-3'
Protein context (NP_001368.2, residues 2695-2715): KHVLQLAGIE[Ala2705Pro]QQVVLLLEDY

ClinVar aggregate classification (germline): Uncertain significance. Review status: criteria provided, multiple submitters, no conflicts (2 of 4 stars). 2 submissions from 2 submitters: Uncertain significance (2). Last evaluated 2024-06-07.

Conditions:
Jeune thoracic dystrophy. Also called: Short-rib thoracic dysplasia; Jeune syndrome; Infantile thoracic dystrophy; Thoracic pelvic phalangeal dystrophy; Jeune's syndrome; Chondroectodermal dysplasia-like syndrome. Identifiers: Orphanet 474, MedGen C0265275, MONDO:0018770.

Submissions (2):

GeneDx
Classification: Uncertain significance. Last evaluated: 2024-06-07. Review status: criteria provided, single submitter. Criteria: GeneDx Variant Classification Process June 2021. Collection method: clinical testing. Allele origin: germline. Affected: yes.
Comment: Not observed at significant frequency in large population cohorts (gnomAD); In silico analysis indicates that this missense variant does not alter protein structure/function; Has not been previously published as pathogenic or benign to our knowledge

Labcorp Genetics (formerly Invitae), Labcorp
Classification: Uncertain significance for Jeune thoracic dystrophy. Last evaluated: 2022-04-17. Review status: criteria provided, single submitter. Criteria: Invitae Variant Classification Sherloc (09022015). Collection method: clinical testing. Allele origin: germline.
Comment: This variant has not been reported in the literature in individuals affected with DYNC2H1-related conditions. Advanced modeling of protein sequence and biophysical properties (such as structural, functional, and spatial information, amino acid conservation, physicochemical variation, residue mobility, and thermodynamic stability) performed at Invitae indicates that this missense variant is not expected to disrupt DYNC2H1 protein function. In summary, the available evidence is currently insufficient to determine the role of this variant in disease. Therefore, it has been classified as a Variant of Uncertain Significance. This variant is not present in population databases (gnomAD no frequency). This sequence change replaces alanine, which is neutral and non-polar, with proline, which is neutral and non-polar, at codon 2705 of the DYNC2H1 protein (p.Ala2705Pro).